The following is an entry in ClinVar:

ClinVar aggregate classification (germline): Uncertain significance. Review status: criteria provided, multiple submitters, no conflicts (2 of 4 stars). 5 submissions from 5 submitters: Uncertain significance (5). Last evaluated 2025-03-10.

Conditions:
Donnai-Barrow syndrome. Also called: DBS/FOAR SYNDROME; FACIOOCULOACOUSTICORENAL SYNDROME. Identifiers: Orphanet 2143, MedGen C1857277, MONDO:0009104, OMIM 222448.

Allele frequency attached by ClinVar (database versions not stated): gnomAD exomes 0.00015 and 0.00029; TOPMed 0.00015; gnomAD 0.00017 and 0.00018; ExAC 0.00021; ESP Exome Variant Server 0.00031.
gnomAD v4.1: 435 of 1,614,096 alleles (0.027%); highest among the groups gnomAD compares: Non-Finnish European, 0.036%; no homozygotes.

Submissions (5):

GeneDx
Classification: Uncertain significance. Last evaluated: 2025-03-10. Review status: criteria provided, single submitter. Criteria: GeneDx Variant Classification Process June 2021. Collection method: clinical testing. Allele origin: germline. Affected: yes.
Comment: In silico analysis supports that this missense variant has a deleterious effect on protein structure/function; Has not been previously published as pathogenic or benign to our knowledge

Blueprint Genetics
Classification: Uncertain significance. Last evaluated: 2024-07-10. Review status: criteria provided, single submitter. Criteria: ACMG Guidelines, 2015. Collection method: clinical testing. Allele origin: germline.

Fulgent Genetics
Classification: Uncertain significance for Donnai-Barrow syndrome. Last evaluated: 2024-03-02. Review status: criteria provided, single submitter. Criteria: ACMG Guidelines, 2015. Collection method: clinical testing. Allele origin: germline.

Labcorp Genetics (formerly Invitae), Labcorp
Classification: Uncertain significance. Last evaluated: 2022-07-25. Review status: criteria provided, single submitter. Criteria: Invitae Variant Classification Sherloc (09022015). Collection method: clinical testing. Allele origin: germline.
Comment: This sequence change replaces arginine, which is basic and polar, with glycine, which is neutral and non-polar, at codon 3428 of the LRP2 protein (p.Arg3428Gly). This variant is present in population databases (rs147267007, gnomAD 0.03%). This variant has not been reported in the literature in individuals affected with LRP2-related conditions. ClinVar contains an entry for this variant (Variation ID: 332104). Algorithms developed to predict the effect of missense changes on protein structure and function (SIFT, PolyPhen-2, Align-GVGD) all suggest that this variant is likely to be disruptive. In summary, the available evidence is currently insufficient to determine the role of this variant in disease. Therefore, it has been classified as a Variant of Uncertain Significance.

Illumina Laboratory Services, Illumina
Classification: Uncertain significance for Donnai-Barrow syndrome. Last evaluated: 2018-01-13. Review status: criteria provided, single submitter. Criteria: ICSL Variant Classification Criteria 13 December 2019. Collection method: clinical testing. Allele origin: germline.

NM_004525.3(LRP2):c.10282A>G (p.Arg3428Gly)

Gene: LRP2 (LDL receptor related protein 2; minus strand). Cytogenetic location: 2q31.1.
Variant type: single nucleotide variant.
Coding change: c.10282A>G on transcript NM_004525.3 (MANE Select); coding-DNA position 10282, A replaced by G.
Protein change: p.Arg3428Gly; replaces arginine 3428 with glycine.
Molecular consequence: missense variant.
Genome position (GRCh38, 1-based): chr2:169,177,914, T>C on the plus strand (A>G on the coding strand, the complement: LRP2 is on the minus strand). VCF-style: chr2-169177914-T-C. GRCh37 (hg19) VCF-style: chr2-170034424-T-C.
Other names: short protein forms R3428G.
Identifiers: ClinVar variation 332104 (VCV000332104.13), dbSNP rs147267007, ClinGen allele CA1953389.